The following is an entry in ClinVar:

NM_033380.3(COL4A5):c.3436G>A (p.Gly1146Arg)

Gene: COL4A5 (collagen type IV alpha 5 chain; plus strand). Cytogenetic location: Xq22.3.
Variant type: single nucleotide variant.
Coding change: c.3436G>A on transcript NM_033380.3 (MANE Select); coding-DNA position 3436, G replaced by A.
Protein change: p.Gly1146Arg; replaces glycine 1146 with arginine.
Molecular consequence: missense variant.
Genome position (GRCh38, 1-based): chrX:108,665,569, G>A. VCF-style: chrX-108665569-G-A. GRCh37 (hg19) VCF-style: chrX-107908799-G-A.
Other names: c.3436G>A, p.Gly1146Arg (NM_000495.5); short protein forms G1146R.
Identifiers: ClinVar variation 1521811 (VCV001521811.6), dbSNP rs2147953043, ClinGen allele CA413847336.
Genomic context (GRCh38, chrX:108,665,569, plus strand): 5'-ACCCCAGGCCCTCCTGGACCAAAAGGTATTAGTGGCCCTCCTGGGAACCCCGGCCTTCCA[G>A]GAGAACCTGGTCCTGTAGGTAAGCATGAAAAATAACAGTTTGCTGTTTTATAAAACTAAT-3'
Protein context (NP_203699.1, residues 1136-1156): SGPPGNPGLP[Gly1146Arg]EPGPVGGGGH

ClinVar aggregate classification (germline): Likely pathogenic (1 of 4 stars; one submission).

Submission:

Labcorp Genetics (formerly Invitae), Labcorp
Classification: Likely pathogenic. Last evaluated: 2021-10-25. Review status: criteria provided, single submitter. Criteria: Invitae Variant Classification Sherloc (09022015). Collection method: clinical testing. Allele origin: germline.
Comment: In summary, the currently available evidence indicates that the variant is pathogenic, but additional data are needed to prove that conclusively. Therefore, this variant has been classified as Likely Pathogenic. This variant disrupts the triple helix domain of COL4A5. Glycine residues within the Gly-Xaa-Yaa repeats of the triple helix domain are required for the structure and stability of fibrillar collagens (PMID: 7695699, 8218237, 19344236). In COL4A5, missense variants at these glycine residues are significantly enriched in individuals with disease (PMID: 23720012, 27627812) compared to the general population (ExAC). Advanced modeling of protein sequence and biophysical properties (such as structural, functional, and spatial information, amino acid conservation, physicochemical variation, residue mobility, and thermodynamic stability) performed at Invitae indicates that this missense variant is expected to disrupt COL4A5 protein function. This variant has not been reported in the literature in individuals affected with COL4A5-related conditions. This variant is not present in population databases (gnomAD no frequency). This sequence change replaces glycine, which is neutral and non-polar, with arginine, which is basic and polar, at codon 1146 of the COL4A5 protein (p.Gly1146Arg).

Literature cited by the submitters: PubMed 7695699; PubMed 8218237; PubMed 19344236; PubMed 23720012; PubMed 27627812.